The following is an entry in ClinVar:

ClinVar aggregate classification (germline): Benign/Likely benign. Review status: criteria provided, multiple submitters, no conflicts (2 of 4 stars). 3 submissions from 3 submitters: Benign (1); Likely benign (2). Last evaluated 2025-11-17.

Conditions:
Hereditary cancer-predisposing syndrome. Also called: Tumor predisposition; Hereditary Cancer Syndrome; Hereditary neoplastic syndrome; Neoplastic Syndromes, Hereditary. Identifiers: Orphanet 140162, MedGen C0027672, MeSH D009386, MONDO:0015356.
Tuberous sclerosis 1 (TSC1). Identifiers: Orphanet 805, MedGen C1854465, MONDO:0008612, OMIM 191100.

Submissions (3):

Labcorp Genetics (formerly Invitae), Labcorp
Classification: Likely benign for Tuberous sclerosis 1. Last evaluated: 2025-11-17. Review status: criteria provided, single submitter. Criteria: Invitae Variant Classification Sherloc (09022015). Collection method: clinical testing. Allele origin: germline.

Ambry Genetics
Classification: Likely benign for Hereditary cancer-predisposing syndrome. Last evaluated: 2025-06-19. Review status: criteria provided, single submitter. Criteria: Ambry Variant Classification Scheme 2023. Collection method: clinical testing. Allele origin: germline.

Myriad Genetics, Inc.
Classification: Benign for Tuberous sclerosis 1. Last evaluated: 2025-04-09. Review status: criteria provided, single submitter. Criteria: Myriad Autosomal Dominant, Autosomal Recessive and X-Linked Classification Criteria (2023). Collection method: clinical testing. Allele origin: unknown.
Comment: This variant is considered benign. This variant is a silent/synonymous amino acid change and it is not expected to impact splicing.

NM_000368.5(TSC1):c.957G>A (p.Leu319=)

Gene: TSC1 (TSC complex subunit 1; minus strand). Cytogenetic location: 9q34.13.
Variant type: single nucleotide variant.
Coding change: c.957G>A on transcript NM_000368.5 (MANE Select); coding-DNA position 957, G replaced by A.
Protein change: p.Leu319=; no amino-acid change (leucine 319 retained).
Molecular consequence: synonymous variant.
Genome position (GRCh38, 1-based): chr9:132,911,525, C>T on the plus strand (G>A on the coding strand, the complement: TSC1 is on the minus strand). VCF-style: chr9-132911525-C-T. GRCh37 (hg19) VCF-style: chr9-135786912-C-T.
Other names: c.957G>A (NM_000368.4); c.957G>A, p.Leu319= (NM_001162426.2); c.804G>A, p.Leu268= (NM_001162427.2); c.594G>A, p.Leu198= (NM_001362177.2).
Identifiers: ClinVar variation 1532908 (VCV001532908.10), dbSNP rs1845961446, ClinGen allele CA467593479.